The following is an entry in ClinVar:

NM_000136.3(FANCC):c.1114T>C (p.Ser372Pro)

Genes: AOPEP (aminopeptidase O (putative); plus strand), FANCC (FA complementation group C; minus strand). Cytogenetic location: 9q22.32.
Variant type: single nucleotide variant.
Coding change: c.1114T>C on transcript NM_000136.3 (MANE Select); coding-DNA position 1114, T replaced by C.
Protein change: p.Ser372Pro; replaces serine 372 with proline.
Molecular consequence: missense variant.
Genome position (GRCh38, 1-based): chr9:95,114,669, A>G on the plus strand (T>C on the coding strand, the complement: FANCC is on the minus strand). VCF-style: chr9-95114669-A-G. GRCh37 (hg19) VCF-style: chr9-97876951-A-G.
Other names: c.1114T>C, p.Ser372Pro (NM_001243743.2, NM_001243744.2); short protein forms S372P.
Identifiers: ClinVar variation 2593008 (VCV002593008.3), dbSNP rs2540948158, ClinGen allele CA374107988.

ClinVar aggregate classification (germline): Conflicting classifications of pathogenicity. Review status: criteria provided, conflicting classifications (1 of 4 stars). 2 submissions from 2 submitters: Likely pathogenic (1); Uncertain significance (1). Last evaluated 2024-03-26.

Conditions:
Hereditary cancer-predisposing syndrome. Also called: Tumor predisposition; Hereditary Cancer Syndrome; Hereditary neoplastic syndrome; Neoplastic Syndromes, Hereditary. Identifiers: Orphanet 140162, MedGen C0027672, MeSH D009386, MONDO:0015356.
Fanconi anemia complementation group C (FANCC). Also called: FANCONI PANCYTOPENIA, TYPE 3; FACC; Fanconi anemia, group C; FANCC-Related Fanconi Anemia. Identifiers: Orphanet 84, MedGen C3468041, MONDO:0009213, OMIM 227645.

Submissions (2):

Genomic Medicine Center of Excellence, King Faisal Specialist Hospital and Research Centre
Classification: Likely pathogenic for Fanconi anemia complementation group C. Last evaluated: 2024-03-26. Review status: criteria provided, single submitter. Criteria: ACMG Guidelines, 2015. Collection method: clinical testing. Allele origin: germline.

Ambry Genetics
Classification: Uncertain significance for Hereditary cancer-predisposing syndrome. Last evaluated: 2023-06-29. Review status: criteria provided, single submitter. Criteria: Ambry Variant Classification Scheme 2023. Collection method: clinical testing. Allele origin: germline.
Comment: The p.S372P variant (also known as c.1114T>C), located in coding exon 11 of the FANCC gene, results from a T to C substitution at nucleotide position 1114. The serine at codon 372 is replaced by proline, an amino acid with similar properties. This amino acid position is conserved. In addition, the in silico prediction for this alteration is inconclusive. Since supporting evidence is limited at this time, the clinical significance of this alteration remains unclear.